The following is an entry in ClinVar:

NM_018297.4(NGLY1):c.658+5T>C

Gene: NGLY1 (N-glycanase 1; minus strand). Cytogenetic location: 3p24.2.
Variant type: single nucleotide variant.
Coding change: c.658+5T>C on transcript NM_018297.4 (MANE Select); 5 bases into the intron after coding-DNA position 658, T replaced by C.
Molecular consequence: intron variant.
Genome position (GRCh38, 1-based): chr3:25,751,093, A>G on the plus strand (T>C on the coding strand, the complement: NGLY1 is on the minus strand). VCF-style: chr3-25751093-A-G. GRCh37 (hg19) VCF-style: chr3-25792584-A-G.
Other names: c.532+5T>C (NM_001145294.2); c.658+5T>C (NM_001145295.2, NM_001145293.2).
Identifiers: ClinVar variation 1389647 (VCV001389647.6), dbSNP rs1322075070, ClinGen allele CA905664556.

ClinVar aggregate classification (germline): Uncertain significance (1 of 4 stars; one submission).

Conditions:
Congenital disorder of deglycosylation (CDDG). Identifiers: MedGen C3808991, MONDO:0031376.

Submission:

Labcorp Genetics (formerly Invitae), Labcorp
Classification: Uncertain significance for Congenital disorder of deglycosylation. Last evaluated: 2021-12-02. Review status: criteria provided, single submitter. Criteria: Invitae Variant Classification Sherloc (09022015). Collection method: clinical testing. Allele origin: germline.
Comment: Variants that disrupt the consensus splice site are a relatively common cause of aberrant splicing (PMID: 17576681, 9536098). Algorithms developed to predict the effect of sequence changes on RNA splicing suggest that this variant is not likely to affect RNA splicing. In summary, the available evidence is currently insufficient to determine the role of this variant in disease. Therefore, it has been classified as a Variant of Uncertain Significance. This variant has not been reported in the literature in individuals affected with NGLY1-related conditions. This variant is not present in population databases (gnomAD no frequency). This sequence change falls in intron 4 of the NGLY1 gene. It does not directly change the encoded amino acid sequence of the NGLY1 protein. It affects a nucleotide within the consensus splice site.

Literature cited by the submitters: PubMed 17576681; PubMed 9536098.